The following is an entry in ClinVar:

ClinVar aggregate classification (germline): Uncertain significance. Review status: criteria provided, multiple submitters, no conflicts (2 of 4 stars). 2 submissions from 2 submitters: Uncertain significance (2). Last evaluated 2025-06-24.

Conditions:
Hereditary cancer-predisposing syndrome. Also called: Tumor predisposition; Hereditary neoplastic syndrome; Neoplastic Syndromes, Hereditary; Hereditary Cancer Syndrome. Identifiers: Orphanet 140162, MedGen C0027672, MeSH D009386, MONDO:0015356.
Hereditary nonpolyposis colorectal neoplasms. Identifiers: MedGen C0009405, MeSH D003123.

Allele frequency attached by ClinVar (database versions not stated): TOPMed below 0.00001.
gnomAD v4.1: 1 of 1,613,986 alleles (0.000062%); highest among the groups gnomAD compares: East Asian, 0.0022%; no homozygotes.

Submissions (2):

Ambry Genetics
Classification: Uncertain significance for Hereditary cancer-predisposing syndrome. Last evaluated: 2025-06-24. Review status: criteria provided, single submitter. Criteria: Ambry Variant Classification Scheme 2023. Collection method: clinical testing. Allele origin: germline.
Comment: The p.S315F variant (also known as c.944C>T), located in coding exon 4 of the MSH6 gene, results from a C to T substitution at nucleotide position 944. The serine at codon 315 is replaced by phenylalanine, an amino acid with highly dissimilar properties. In an assay testing MSH6 localization, this variant showed a normal nuclear-to-cytoplasmic (N/C) ratio relative to wild-type (Gassman NR et al. PLoS One, 2011 Mar;6:e17907). This amino acid position is not well conserved in available vertebrate species. In addition, this alteration is predicted to be tolerated by in silico analysis. Based on the available evidence, the clinical significance of this variant remains unclear.

Labcorp Genetics (formerly Invitae), Labcorp
Classification: Uncertain significance for Hereditary nonpolyposis colorectal neoplasms. Last evaluated: 2023-09-14. Review status: criteria provided, single submitter. Criteria: Invitae Variant Classification Sherloc (09022015). Collection method: clinical testing. Allele origin: germline.
Comment: Advanced modeling of protein sequence and biophysical properties (such as structural, functional, and spatial information, amino acid conservation, physicochemical variation, residue mobility, and thermodynamic stability) performed at Invitae indicates that this missense variant is not expected to disrupt MSH6 protein function. Experimental studies have shown that this missense change affects MSH6 function (PMID: 21437237). In summary, the available evidence is currently insufficient to determine the role of this variant in disease. Therefore, it has been classified as a Variant of Uncertain Significance. This variant has not been reported in the literature in individuals affected with MSH6-related conditions. This sequence change replaces serine, which is neutral and polar, with phenylalanine, which is neutral and non-polar, at codon 315 of the MSH6 protein (p.Ser315Phe). This variant is not present in population databases (gnomAD no frequency). ClinVar contains an entry for this variant (Variation ID: 951825).

Literature cited by the submitters: PubMed 10675480 (cited by Ambry Genetics); PubMed 21437237 (cited by Ambry Genetics and Labcorp Genetics (formerly Invitae), Labcorp).

NM_000179.3(MSH6):c.944C>T (p.Ser315Phe)

Gene: MSH6 (mutS homolog 6; plus strand). Cytogenetic location: 2p16.3.
Variant type: single nucleotide variant.
Coding change: c.944C>T on transcript NM_000179.3 (MANE Select); coding-DNA position 944, C replaced by T.
Protein change: p.Ser315Phe; replaces serine 315 with phenylalanine.
Molecular consequence: missense variant.
Genome position (GRCh38, 1-based): chr2:47,798,927, C>T. VCF-style: chr2-47798927-C-T. GRCh37 (hg19) VCF-style: chr2-48026066-C-T.
Other names: c.554C>T, p.Ser185Phe (NM_001281492.2); c.38C>T, p.Ser13Phe (NM_001281493.2, NM_001281494.2); short protein forms S13F, S185F, S315F.
Identifiers: ClinVar variation 951825 (VCV000951825.11), dbSNP rs63750491, ClinGen allele CA46707062.